The following is an entry in ClinVar:

ClinVar aggregate classification (germline): Benign. Review status: criteria provided, multiple submitters, no conflicts (2 of 4 stars). 2 submissions from 2 submitters: Benign (2). Last evaluated 2018-01-13.

Conditions:
Brody myopathy. Also called: BRODY DISEASE. Identifiers: Orphanet 53347, MedGen C1832918, MONDO:0010977, OMIM 601003.

Allele frequency attached by ClinVar (database versions not stated): gnomAD exomes 0.00764; gnomAD 0.01523 and 0.01612; 1000 Genomes Project 0.03854; TOPMed 0.01575; 1000 Genomes Project 30x 0.03763.
gnomAD v4.1: 13,131 of 1,484,182 alleles (0.88%); highest among the groups gnomAD compares: East Asian, 12%; 390 homozygotes.

Submissions (2):

Illumina Laboratory Services, Illumina
Classification: Benign for Brody myopathy. Last evaluated: 2018-01-13. Review status: criteria provided, single submitter. Criteria: ICSL Variant Classification Criteria 13 December 2019. Collection method: clinical testing. Allele origin: germline.
Comment: This variant was observed in the ICSL laboratory as part of a predisposition screen in an ostensibly healthy population. It had not been previously curated by ICSL or reported in the Human Gene Mutation Database (HGMD: prior to June 1st, 2018), and was therefore a candidate for classification through an automated scoring system. Utilizing variant allele frequency, disease prevalence and penetrance estimates, and inheritance mode, an automated score was calculated to assess if this variant is too frequent to cause the disease. Based on the score and internal cut-off values, a variant classified as benign is not then subjected to further curation. The score for this variant resulted in a classification of benign for this disease.

Breakthrough Genomics
Classification: Benign. Review status: criteria provided, single submitter. Criteria: ACMG Guidelines, 2015. Collection method: not provided. Allele origin: germline. Inheritance: Unknown mechanism. Affected: yes.

NM_173201.3(ATP2A1):c.*298C>T

Genes: ATP2A1 (ATPase sarcoplasmic/endoplasmic reticulum Ca2+ transporting 1; plus strand), RABEP2 (rabaptin, RAB GTPase binding effector protein 2; minus strand). Cytogenetic location: 16p11.2.
Variant type: single nucleotide variant.
Coding change: c.*298C>T on transcript NM_173201.3; 298 bases downstream of the stop codon, C replaced by T.
Molecular consequence: 3 prime UTR variant (on NM_024816.3).
Genome position (GRCh38, 1-based): chr16:28,904,503, C>T. VCF-style: chr16-28904503-C-T. GRCh37 (hg19) VCF-style: chr16-28915824-C-T.
Other names: c.*440G>A (NM_024816.3).
Identifiers: ClinVar variation 318794 (VCV000318794.8), dbSNP rs114173613, ClinGen allele CA10637528.
Genomic context (GRCh38, chr16:28,904,503, plus strand): 5'-GAAAATAAACGACGGAAAAGTCTGGCCTTGCCTCTGTGCAAGCTTGGAGGCCTGGGTCGC[C>T]GCTGTGGACAAGCGTCTTAGTGTCATGCAGACCAGAAGGCAGCTGCCTGTCCCAGGGCCG-3'